The following is an entry in ClinVar:

ClinVar aggregate classification (germline): Uncertain significance (1 of 4 stars; one submission).

Conditions:
Diamond-Blackfan anemia. Also called: Blackfan Diamond syndrome; Aregenerative anemia chronic congenital; Red cell aplasia, pure hereditary; Congenital hypoplastic anemia; Aase syndrome. Identifiers: Orphanet 124, MedGen C1260899, MeSH D029503, MONDO:0015253, HP:0004810.

Allele frequency attached by ClinVar (database versions not stated): gnomAD exomes below 0.00001 and 0.00001; ExAC 0.00002; gnomAD 0.00003 and 0.00004; TOPMed 0.00005; ESP Exome Variant Server 0.00008.
gnomAD v4.1: 9 of 1,612,792 alleles (0.00056%); highest among the groups gnomAD compares: African/African-American, 0.0093%; no homozygotes.

Submission:

Labcorp Genetics (formerly Invitae), Labcorp
Classification: Uncertain significance for Diamond-Blackfan anemia. Last evaluated: 2024-04-17. Review status: criteria provided, single submitter. Criteria: Invitae Variant Classification Sherloc (09022015). Collection method: clinical testing. Allele origin: germline.
Comment: This sequence change replaces arginine, which is basic and polar, with histidine, which is basic and polar, at codon 160 of the RPS10 protein (p.Arg160His). This variant is present in population databases (rs139095177, gnomAD 0.02%). This variant has not been reported in the literature in individuals affected with RPS10-related conditions. ClinVar contains an entry for this variant (Variation ID: 1383769). An algorithm developed to predict the effect of missense changes on protein structure and function (PolyPhen-2) suggests that this variant is likely to be tolerated. In summary, the available evidence is currently insufficient to determine the role of this variant in disease. Therefore, it has been classified as a Variant of Uncertain Significance.

NM_001014.5(RPS10):c.479G>A (p.Arg160His)

Genes: RPS10 (ribosomal protein S10; minus strand), RPS10-NUDT3 (RPS10-NUDT3 readthrough; minus strand). Cytogenetic location: 6p21.31.
Variant type: single nucleotide variant.
Coding change: c.479G>A on transcript NM_001014.5 (MANE Select); coding-DNA position 479, G replaced by A.
Protein change: p.Arg160His; replaces arginine 160 with histidine.
Molecular consequence: missense variant. On other transcripts: intron variant (1).
Genome position (GRCh38, 1-based): chr6:34,417,525, C>T on the plus strand (G>A on the coding strand, the complement: RPS10 is on the minus strand). VCF-style: chr6-34417525-C-T. GRCh37 (hg19) VCF-style: chr6-34385302-C-T.
Other names: c.479G>A, p.Arg160His (NM_001203245.3, NM_001204091.2); c.456+844G>A (NM_001202470.3); short protein forms R160H.
Identifiers: ClinVar variation 1383769 (VCV001383769.6), dbSNP rs139095177, ClinGen allele CA3764983.
Genomic context (GRCh38, chr6:34,417,525, plus strand): 5'-TGGCTGTAAGTTTATTCAATGCAAAAGAATCCTCTCCAATTTTACTGAGGTGGCTGACCA[C>T]GTCCACGACCAAATCCGCCTCTCTGTAAGAGAAAGCACATCACATCAGCATGAGCGGCAC-3'
Protein context (NP_001005.1, residues 150-165): FQFRGGFGRG[Arg160His]GQPPQ